The following is an entry in ClinVar:

NM_006904.7(PRKDC):c.6057A>G (p.Ser2019=)

Gene: PRKDC (protein kinase, DNA-activated, catalytic subunit; minus strand). Cytogenetic location: 8q11.21.
Variant type: single nucleotide variant.
Coding change: c.6057A>G on transcript NM_006904.7 (MANE Select); coding-DNA position 6057, A replaced by G.
Protein change: p.Ser2019=; no amino-acid change (serine 2019 retained).
Molecular consequence: synonymous variant.
Genome position (GRCh38, 1-based): chr8:47,860,900, T>C on the plus strand (A>G on the coding strand, the complement: PRKDC is on the minus strand). VCF-style: chr8-47860900-T-C. GRCh37 (hg19) VCF-style: chr8-48773461-T-C.
Other names: c.6057A>G, p.Ser2019= (NM_001081640.2).
Identifiers: ClinVar variation 2188136 (VCV002188136.4), dbSNP rs1398922470, ClinGen allele CA460607217.
Genomic context (GRCh38, chr8:47,860,900, plus strand): 5'-AACAAAACAAAATAACCCATCGATTTGAATCCTTTCTCATGATTTTGAAAACATCCTACC[T>C]GAATCCCCATTTGCTGCTTCTCTGGCTTCTTTCCTAATTTCAATGTACTTTTTCTTTCTT-3'
Protein context (NP_008835.5, residues 2009-2029): KEAREAANGD[Ser2019=]DGPSYMSSLS

ClinVar aggregate classification (germline): Uncertain significance (1 of 4 stars; one submission).

Conditions:
Severe combined immunodeficiency due to DNA-PKcs deficiency. Also called: IMMUNODEFICIENCY 26 WITH NEUROLOGIC ABNORMALITIES; Immunodeficiency 26 with or without neurologic abnormalities. Identifiers: Orphanet 317425, MedGen C4014833, MONDO:0014423, OMIM 615966.

Allele frequency attached by ClinVar (database versions not stated): gnomAD exomes below 0.00001; gnomAD 0.00001; TOPMed 0.00001.
gnomAD v4.1: 5 of 1,603,792 alleles (0.00031%); highest among the groups gnomAD compares: Middle Eastern, 0.017%; no homozygotes.

Submission:

Labcorp Genetics (formerly Invitae), Labcorp
Classification: Uncertain significance for Severe combined immunodeficiency due to DNA-PKcs deficiency. Last evaluated: 2024-10-22. Review status: criteria provided, single submitter. Criteria: Invitae Variant Classification Sherloc (09022015). Collection method: clinical testing. Allele origin: germline.
Comment: This sequence change affects codon 2019 of the PRKDC mRNA. It is a 'silent' change, meaning that it does not change the encoded amino acid sequence of the PRKDC protein. It affects a nucleotide within the consensus splice site. This variant is not present in population databases (gnomAD no frequency). This variant has not been reported in the literature in individuals affected with PRKDC-related conditions. ClinVar contains an entry for this variant (Variation ID: 2188136). Algorithms developed to predict the effect of sequence changes on RNA splicing suggest that this variant is not likely to affect RNA splicing. In summary, the available evidence is currently insufficient to determine the role of this variant in disease. Therefore, it has been classified as a Variant of Uncertain Significance.